The following is an entry in ClinVar:

NM_182895.5(SCARF2):c.1741G>C (p.Glu581Gln)

Gene: SCARF2 (scavenger receptor class F member 2; minus strand). Cytogenetic location: 22q11.21.
Variant type: single nucleotide variant.
Coding change: c.1741G>C on transcript NM_182895.5 (MANE Select); coding-DNA position 1741, G replaced by C.
Protein change: p.Glu581Gln; replaces glutamic acid 581 with glutamine.
Molecular consequence: missense variant.
Genome position (GRCh38, 1-based): chr22:20,426,235, C>G on the plus strand (G>C on the coding strand, the complement: SCARF2 is on the minus strand). VCF-style: chr22-20426235-C-G. GRCh37 (hg19) VCF-style: chr22-20780522-C-G.
Other names: c.1756G>C, p.Glu586Gln (NM_153334.7); c.1756G>C (NM_153334.5); short protein forms E581Q, E586Q.
Identifiers: ClinVar variation 2458605 (VCV002458605.4), dbSNP rs772315504, ClinGen allele CA10112286.

ClinVar aggregate classification (germline): Uncertain significance. Review status: criteria provided, multiple submitters, no conflicts (2 of 4 stars). 2 submissions from 2 submitters: Uncertain significance (2). Last evaluated 2023-03-01.

Conditions:
Inborn genetic diseases. Identifiers: MedGen C0950123, MeSH D030342.

Allele frequency attached by ClinVar (database versions not stated): ExAC 0.00029.
gnomAD v4.1: 152 of 1,535,598 alleles (0.0099%); highest among the groups gnomAD compares: Middle Eastern, 0.18%; no homozygotes.

Submissions (2):

Genetic Services Laboratory, University of Chicago
Classification: Uncertain significance. Last evaluated: 2023-03-01. Review status: criteria provided, single submitter. Criteria: ACMG Guidelines, 2015. Collection method: clinical testing. Allele origin: germline. Affected: no.
Comment: DNA sequence analysis of the SCARF2 gene demonstrated a sequence change, c.1756G>C, in exon 11 that results in an amino acid change, p.Glu586Gln. This sequence change does not appear to have been previously described in individuals with SCARF2-related disorders. This sequence change has been described in the gnomAD database with a frequency of 0.009% in the overall population (dbSNP rs772315504). The p.Glu586Gln change affects a moderately conserved amino acid residue located in a domain of the SCARF2 protein that is not known to be functional. The p.Glu586Gln substitution appears to be benign using several in-silico pathogenicity prediction tools (SIFT, PolyPhen2, Align GVGD, REVEL). Due to insufficient evidences and the lack of functional studies, the clinical significance of the p.Glu586Gln change remains unknown at this time.

Ambry Genetics
Classification: Uncertain significance for Inborn genetic diseases. Last evaluated: 2023-01-13. Review status: criteria provided, single submitter. Criteria: Ambry Variant Classification Scheme 2023. Collection method: clinical testing. Allele origin: germline.